The following is an entry in ClinVar:

NM_001267550.2(TTN):c.50143C>G (p.Leu16715Val)

Genes: TTN (titin; minus strand), TTN-AS1 (TTN antisense RNA 1; plus strand). Cytogenetic location: 2q31.2.
Variant type: single nucleotide variant.
Coding change: c.50143C>G on transcript NM_001267550.2 (MANE Select); coding-DNA position 50143, C replaced by G.
Protein change: p.Leu16715Val; replaces leucine 16715 with valine.
Molecular consequence: missense variant.
Genome position (GRCh38, 1-based): chr2:178,612,382, G>C on the plus strand (C>G on the coding strand, the complement: TTN is on the minus strand). VCF-style: chr2-178612382-G-C. GRCh37 (hg19) VCF-style: chr2-179477109-G-C.
Other names: c.45220C>G, p.Leu15074Val (NM_001256850.1); c.22948C>G, p.Leu7650Val (NM_003319.4); c.42439C>G, p.Leu14147Val (NM_133378.4); c.23323C>G, p.Leu7775Val (NM_133432.3); c.23524C>G, p.Leu7842Val (NM_133437.4); short protein forms L14147V, L15074V, L16715V, L7650V, L7775V, L7842V.
Identifiers: ClinVar variation 3054583 (VCV003054583.2), dbSNP rs1181230555, ClinGen allele CA349598862.
Genomic context (GRCh38, chr2:178,612,382, plus strand): 5'-CGCTTTGTCCTATAGCATTTTCTGCAGCAACTCGGAACACATATAAAGAGCCCTCAGTCA[G>C]TGGGGTGACTGTGCACTTGGTGTCCTTGACAGTGGTATCCACTGTTTGCCAGCCTTTTCG-3'
Protein context (NP_001254479.2, residues 16705-16725): VKDTKCTVTP[Leu16715Val]TEGSLYVFRV

ClinVar aggregate classification (germline): Uncertain significance (0 of 4 stars; one submission).

Conditions:
TTN-related disorder. Also called: TTN-related condition; TTN-related disease; TTN-related disorders.

Allele frequency attached by ClinVar (database versions not stated): gnomAD exomes 0.00001; gnomAD 0.00002; TOPMed 0.00002.
gnomAD v4.1: 6 of 1,612,444 alleles (0.00037%); highest among the groups gnomAD compares: African/African-American, 0.008%; no homozygotes.

Submission:

PreventionGenetics, part of Exact Sciences
Classification: Uncertain significance for TTN-related condition. Last evaluated: 2023-12-13. Review status: no assertion criteria provided. Collection method: clinical testing. Allele origin: germline.
Comment: The TTN c.50143C>G variant is predicted to result in the amino acid substitution p.Leu16715Val. To our knowledge, this variant has not been reported in the literature. This variant is reported in 0.023% of alleles in individuals of African descent in gnomAD. At this time, the clinical significance of this variant is uncertain due to the absence of conclusive functional and genetic evidence.